The following is an entry in ClinVar:

ClinVar aggregate classification (germline): Uncertain significance (1 of 4 stars; one submission).

Conditions:
Dyskeratosis congenita, autosomal recessive 5 (DKCB5). Identifiers: MedGen C3554656, MONDO:0014076, OMIM 615190.

Submission:

Myriad Genetics, Inc.
Classification: Uncertain significance for Dyskeratosis congenita, autosomal recessive 5. Last evaluated: 2025-08-12. Review status: criteria provided, single submitter. Criteria: Myriad Autosomal Dominant, Autosomal Recessive and X-Linked Classification Criteria (2023). Collection method: clinical testing. Allele origin: unknown.
Comment: NM_001283009.1(RTEL1):c.3743G>A(G1248E) is a missense variant classified as a variant of uncertain significance in the context of RTEL1-related disorders. G1248E has not been observed in cases with relevant disease. Relevant functional assessments of this variant are not available in the literature. G1248E has not been observed in referenced population frequency databases. In summary, there is insufficient evidence to classify NM_001283009.1(RTEL1):c.3743G>A(G1248E) as pathogenic or benign. Please note: this variant was assessed in the context of healthy population screening.

NM_001283009.2(RTEL1):c.3743G>A (p.Gly1248Glu)

Genes: RTEL1 (regulator of telomere elongation helicase 1; plus strand), RTEL1-TNFRSF6B (RTEL1-TNFRSF6B readthrough (NMD candidate); plus strand). Cytogenetic location: 20q13.33.
Variant type: single nucleotide variant.
Coding change: c.3743G>A on transcript NM_001283009.2 (MANE Select); coding-DNA position 3743, G replaced by A.
Protein change: p.Gly1248Glu; replaces glycine 1248 with glutamic acid.
Molecular consequence: missense variant. On other transcripts: non-coding transcript variant (1), intron variant (3).
Genome position (GRCh38, 1-based): chr20:63,695,571, G>A. VCF-style: chr20-63695571-G-A. GRCh37 (hg19) VCF-style: chr20-62326924-G-A.
Other names: c.2983+91G>A (NM_001283010.1); c.3724+91G>A (NM_032957.5); c.3652+91G>A (NM_016434.4); short protein forms G1248E.
Identifiers: ClinVar variation 5003424 (VCV005003424.1).